The following is an entry in ClinVar:

NM_020937.4(FANCM):c.439G>C (p.Val147Leu)

Gene: FANCM (FA complementation group M; plus strand). Cytogenetic location: 14q21.2.
Variant type: single nucleotide variant.
Coding change: c.439G>C on transcript NM_020937.4 (MANE Select); coding-DNA position 439, G replaced by C.
Protein change: p.Val147Leu; replaces valine 147 with leucine.
Molecular consequence: missense variant.
Genome position (GRCh38, 1-based): chr14:45,136,470, G>C. VCF-style: chr14-45136470-G-C. GRCh37 (hg19) VCF-style: chr14-45605673-G-C.
Other names: c.439G>C, p.Val147Leu (NM_001308133.2, NM_001308134.2); short protein forms V147L.
Identifiers: ClinVar variation 2233853 (VCV002233853.3), dbSNP rs2503036844, ClinGen allele CA389588268.

ClinVar aggregate classification (germline): Uncertain significance (1 of 4 stars; one submission).

Conditions:
Inborn genetic diseases. Identifiers: MedGen C0950123, MeSH D030342.

gnomAD v4.1: 2 of 1,614,142 alleles (0.00012%); highest among the groups gnomAD compares: Non-Finnish European, 0.00017%; no homozygotes.

Submission:

Ambry Genetics
Classification: Uncertain significance for Inborn genetic diseases. Last evaluated: 2025-02-28. Review status: criteria provided, single submitter. Criteria: Ambry Variant Classification Scheme 2023. Collection method: clinical testing. Allele origin: germline.
Comment: The p.V147L variant (also known as c.439G>C), located in coding exon 1 of the FANCM gene, results from a G to C substitution at nucleotide position 439. The valine at codon 147 is replaced by leucine, an amino acid with highly similar properties. This amino acid position is conserved. In addition, this alteration is predicted to be tolerated by in silico analysis. Based on the available evidence, the clinical significance of this variant remains unclear.